The following is an entry in ClinVar:

NM_002661.5(PLCG2):c.2581G>A (p.Val861Met)

Gene: PLCG2 (phospholipase C gamma 2; plus strand). Cytogenetic location: 16q23.3.
Variant type: single nucleotide variant.
Coding change: c.2581G>A on transcript NM_002661.5 (MANE Select); coding-DNA position 2581, G replaced by A.
Protein change: p.Val861Met; replaces valine 861 with methionine.
Molecular consequence: missense variant.
Genome position (GRCh38, 1-based): chr16:81,928,624, G>A. VCF-style: chr16-81928624-G-A. GRCh37 (hg19) VCF-style: chr16-81962229-G-A.
Other names: short protein forms V861M.
Identifiers: ClinVar variation 1025745 (VCV001025745.6), dbSNP rs559219743, ClinGen allele CA396903122.

ClinVar aggregate classification (germline): Uncertain significance (1 of 4 stars; one submission).

Conditions:
Familial cold autoinflammatory syndrome 3 (FCAS3). Also called: FAMILIAL ATYPICAL COLD URTICARIA; ANTIBODY DEFICIENCY AND IMMUNE DYSREGULATION, PLCG2-ASSOCIATED. Identifiers: Orphanet 300359, MedGen C3280914, MONDO:0013766, OMIM 614468.

Allele frequency attached by ClinVar (database versions not stated): gnomAD exomes below 0.00001; TOPMed 0.00001.
gnomAD v4.1: 7 of 1,594,318 alleles (0.00044%); highest among the groups gnomAD compares: Admixed American, 0.0017%; no homozygotes.

Submission:

Labcorp Genetics (formerly Invitae), Labcorp
Classification: Uncertain significance for Familial cold autoinflammatory syndrome 3. Last evaluated: 2025-04-07. Review status: criteria provided, single submitter. Criteria: Invitae Variant Classification Sherloc (09022015). Collection method: clinical testing. Allele origin: germline.
Comment: This sequence change replaces valine, which is neutral and non-polar, with methionine, which is neutral and non-polar, at codon 861 of the PLCG2 protein (p.Val861Met). This variant also falls at the last nucleotide of exon 24, which is part of the consensus splice site for this exon. This variant is present in population databases (no rsID available, gnomAD 0.0009%). This variant has not been reported in the literature in individuals affected with PLCG2-related conditions. ClinVar contains an entry for this variant (Variation ID: 1025745). An algorithm developed to predict the effect of missense changes on protein structure and function (PolyPhen-2) suggests that this variant is likely to be tolerated. Variants that disrupt the consensus splice site are a relatively common cause of aberrant splicing (PMID: 17576681, 9536098). Algorithms developed to predict the effect of sequence changes on RNA splicing suggest that this variant may disrupt the consensus splice site. In summary, the available evidence is currently insufficient to determine the role of this variant in disease. Therefore, it has been classified as a Variant of Uncertain Significance.

Literature cited by the submitters: PubMed 17576681; PubMed 9536098.